The following is an entry in ClinVar:

NM_004947.5(DOCK3):c.1028A>G (p.Lys343Arg)

Gene: DOCK3 (dedicator of cytokinesis 3; plus strand). Cytogenetic location: 3p21.2.
Variant type: single nucleotide variant.
Coding change: c.1028A>G on transcript NM_004947.5 (MANE Select); coding-DNA position 1028, A replaced by G.
Protein change: p.Lys343Arg; replaces lysine 343 with arginine.
Molecular consequence: missense variant.
Genome position (GRCh38, 1-based): chr3:51,160,693, A>G. VCF-style: chr3-51160693-A-G. GRCh37 (hg19) VCF-style: chr3-51198124-A-G.
Other names: short protein forms K343R.
Identifiers: ClinVar variation 2368945 (VCV002368945.3), dbSNP rs768110364, ClinGen allele CA2420839.

ClinVar aggregate classification (germline): Uncertain significance. Review status: criteria provided, multiple submitters, no conflicts (2 of 4 stars). 2 submissions from 2 submitters: Uncertain significance (2). Last evaluated 2024-12-04.

Conditions:
Inborn genetic diseases. Identifiers: MedGen C0950123, MeSH D030342.

Allele frequency attached by ClinVar (database versions not stated): gnomAD 0.00001; ExAC 0.00007; TOPMed 0.00002; gnomAD exomes 0.00004.
gnomAD v4.1: 24 of 1,611,980 alleles (0.0015%); highest among the groups gnomAD compares: Admixed American, 0.04%; no homozygotes.

Submissions (2):

GeneDx
Classification: Uncertain significance. Last evaluated: 2024-12-04. Review status: criteria provided, single submitter. Criteria: GeneDx Variant Classification Process June 2021. Collection method: clinical testing. Allele origin: germline. Affected: yes.
Comment: In silico analysis indicates that this missense variant does not alter protein structure/function; Has not been previously published as pathogenic or benign to our knowledge; Variants in candidate genes are classified as variants of uncertain significance in accordance with ACMG guidelines (PMID: 25741868)

Ambry Genetics
Classification: Uncertain significance for Inborn genetic diseases. Last evaluated: 2021-08-23. Review status: criteria provided, single submitter. Criteria: Ambry Variant Classification Scheme 2023. Collection method: clinical testing. Allele origin: germline.